The following is an entry in ClinVar:

NM_002485.5(NBN):c.2215C>G (p.Leu739Val)

Gene: NBN (nibrin; minus strand). Cytogenetic location: 8q21.3.
Variant type: single nucleotide variant.
Coding change: c.2215C>G on transcript NM_002485.5 (MANE Select); coding-DNA position 2215, C replaced by G.
Protein change: p.Leu739Val; replaces leucine 739 with valine.
Molecular consequence: missense variant.
Genome position (GRCh38, 1-based): chr8:89,937,045, G>C on the plus strand (C>G on the coding strand, the complement: NBN is on the minus strand). VCF-style: chr8-89937045-G-C. GRCh37 (hg19) VCF-style: chr8-90949273-G-C.
Other names: p.L739V:CTT>GTT; c.1969C>G, p.Leu657Val (NM_001024688.3); short protein forms L739V, L657V.
Identifiers: ClinVar variation 182730 (VCV000182730.39), dbSNP rs370058152, ClinGen allele CA299639.

ClinVar aggregate classification (germline): Uncertain significance. Review status: criteria provided, multiple submitters, no conflicts (2 of 4 stars). 13 submissions from 13 submitters: Uncertain significance (12). 1 of the submissions does not count toward it. Last evaluated 2026-03-30.

Conditions:
Microcephaly, normal intelligence and immunodeficiency (NBS). Also called: SEEMANOVA SYNDROME II; Immunodeficiency, microcephaly with normal intelligence; Ataxia telangiectasia variant V1; IMMUNODEFICIENCY, MICROCEPHALY, AND CHROMOSOMAL INSTABILITY; Nijmegen breakage syndrome; Microcephaly with normal intelligence immunodeficiency and lymphoreticular malignancies. Identifiers: Orphanet 647, MedGen C0398791, MONDO:0009623, OMIM 251260.
Acute lymphoid leukemia (ALL). Also called: Leukemia, acute lymphoblastic, somatic; Acute lymphoblastic leukemia; Acute lymphocytic leukemia; Lymphoblastic leukemia. Identifiers: Orphanet 513, MedGen C0023449, MONDO:0004967, OMIM 613065, HP:0006721.
Aplastic anemia. Identifiers: Orphanet 182040, Orphanet 88, MedGen C0002874, MONDO:0015909, OMIM 609135, HP:0001915.
Hereditary cancer-predisposing syndrome. Also called: Tumor predisposition; Neoplastic Syndromes, Hereditary; Hereditary Cancer Syndrome; Hereditary neoplastic syndrome. Identifiers: Orphanet 140162, MedGen C0027672, MeSH D009386, MONDO:0015356.

Allele frequency attached by ClinVar (database versions not stated): gnomAD exomes 0.00002 and 0.00003; ExAC 0.00003; gnomAD 0.00003; TOPMed 0.00004; ESP Exome Variant Server 0.00015.
gnomAD v4.1: 27 of 1,611,986 alleles (0.0017%); highest among the groups gnomAD compares: African/African-American, 0.0027%; no homozygotes.

Submissions (13):

Women's Health and Genetics/Laboratory Corporation of America, LabCorp
Classification: Uncertain significance. Last evaluated: 2026-03-30. Review status: criteria provided, single submitter. Criteria: LabCorp Variant Classification Summary - May 2015. Collection method: clinical testing. Allele origin: germline.
Comment: Variant summary: NBN c.2215C>G (p.Leu739Val) results in a conservative amino acid change in the encoded protein sequence. Algorithms developed to predict the effect of missense changes on protein structure and function are either unavailable or do not agree on the potential impact of this missense change. The variant allele was found at a frequency of 2.8e-05 in 250018 control chromosomes. The available data on variant occurrences in the general population are insufficient to allow any conclusion about variant significance. c.2215C>G has been observed in individuals affected with pilocytic Astrocytoma or Hodgkin lymphoma (Wagener_2021). These report(s) do not provide unequivocal conclusions about association of the variant with Nijmegen Breakage Syndrome. To our knowledge, no experimental evidence demonstrating an impact on protein function has been reported. The following publications have been ascertained in the context of this evaluation (PMID: 40857049, 33840814). ClinVar contains an entry for this variant (Variation ID: 182730). Based on the evidence outlined above, the variant was classified as uncertain significance.

Quest Diagnostics Nichols Institute San Juan Capistrano
Classification: Uncertain significance. Last evaluated: 2025-11-06. Review status: criteria provided, single submitter. Criteria: Quest Diagnostics criteria. Collection method: clinical testing. Allele origin: unknown.
Comment: The NBN c.2215C>G (p.Leu739Val) variant has been reported in the published literature in individuals with breast cancer (PMID: 33471991 (2021), see also LOVD), astrocytoma, and Hodgkins lymphoma (PMID: 33840814 (2021)). This variant has also been identified in reportedly unaffected individuals (PMID: 33471991 (2021), see also LOVD). The frequency of this variant in the general population (Genome Aggregation Database) is uninformative in the assessment of its pathogenicity. Analysis of this variant using bioinformatics tools for the prediction of the effect of amino acid changes on protein structure and function yielded conflicting predictions that this variant is benign or damaging. Based on the available information, we are unable to determine the clinical significance of this variant.

GeneDx
Classification: Uncertain significance. Last evaluated: 2025-01-09. Review status: criteria provided, single submitter. Criteria: GeneDx Variant Classification Process June 2021. Collection method: clinical testing. Allele origin: germline. Affected: yes.
Comment: In silico analysis indicates that this missense variant does not alter protein structure/function; This variant is associated with the following publications: (PMID: 24894818, 33471991, 33840814)

Labcorp Genetics (formerly Invitae), Labcorp
Classification: Uncertain significance for Microcephaly, normal intelligence and immunodeficiency. Last evaluated: 2024-12-02. Review status: criteria provided, single submitter. Criteria: Invitae Variant Classification Sherloc (09022015). Collection method: clinical testing. Allele origin: germline.
Comment: This sequence change replaces leucine, which is neutral and non-polar, with valine, which is neutral and non-polar, at codon 739 of the NBN protein (p.Leu739Val). This variant is present in population databases (rs370058152, gnomAD 0.006%). This missense change has been observed in individual(s) with Hodgkin's lymphoma (PMID: 33840814). ClinVar contains an entry for this variant (Variation ID: 182730). An algorithm developed to predict the effect of missense changes on protein structure and function (PolyPhen-2) suggests that this variant is likely to be disruptive. In summary, the available evidence is currently insufficient to determine the role of this variant in disease. Therefore, it has been classified as a Variant of Uncertain Significance.

Baylor Genetics
Classification: Uncertain significance for Aplastic anemia. Last evaluated: 2024-02-06. Review status: criteria provided, single submitter. Criteria: ACMG Guidelines, 2015. Collection method: clinical testing. Allele origin: unknown.

St. Jude Molecular Pathology, St. Jude Children's Research Hospital
Classification: Uncertain significance for Microcephaly, normal intelligence and immunodeficiency. Last evaluated: 2023-07-18. Review status: criteria provided, single submitter. Criteria: St. Jude Assertion Criteria 2020. Collection method: clinical testing. Allele origin: germline.
Comment: The NBN c.2215C>G (p.Leu739Val) missense change has a maximum subpopulation frequency of 0.0062% in gnomAD v2.1.1. The in silico tool REVEL predicts a benign effect of this variant on protein function, and to our knowledge functional studies have not been performed. This variant has been reported in a large case-control study of breast cancer in 3 of 60,466 cases and 2 of 53,461 controls (PMID: 33471991). Four individuals with this variant is reported in a database of women older than 70 years of age who have never had cancer (FLOSSIES). To our knowledge, this variant has not been reported in individuals with Nijmegan breakage syndrome. In summary, the evidence currently available is insufficient to determine the clinical significance of this variant. It has therefore been classified as of uncertain significance.

Ambry Genetics
Classification: Uncertain significance for Hereditary cancer-predisposing syndrome. Last evaluated: 2023-02-24. Review status: criteria provided, single submitter. Criteria: Ambry Variant Classification Scheme 2023. Collection method: clinical testing. Allele origin: germline.
Comment: The p.L739V variant (also known as c.2215C>G), located in coding exon 15 of the NBN gene, results from a C to G substitution at nucleotide position 2215. The leucine at codon 739 is replaced by valine, an amino acid with highly similar properties. This variant was detected in 1/160 children with newly diagnosed cancer. This patient was diagnosed with pilocytic astrocytoma (Wagener R et al. Eur J Hum Genet, 2021 Aug;29:1301-1311). This variant was also reported in 3/60,466 breast cancer cases and in 2/53,461 controls (Dorling et al. N Engl J Med. 2021 02;384:428-439). This amino acid position is highly conserved in available vertebrate species. In addition, this alteration is predicted to be tolerated by in silico analysis. Since supporting evidence is limited at this time, the clinical significance of this alteration remains unclear.

Fulgent Genetics
Classification: Uncertain significance for Microcephaly, normal intelligence and immunodeficiency; Aplastic anemia; Acute lymphoid leukemia. Last evaluated: 2021-11-29. Review status: criteria provided, single submitter. Criteria: ACMG Guidelines, 2015. Collection method: clinical testing. Allele origin: unknown.

Genome-Nilou Lab
Classification: Uncertain significance for Microcephaly, normal intelligence and immunodeficiency. Last evaluated: 2021-11-07. Review status: criteria provided, single submitter. Criteria: ACMG Guidelines, 2015. Collection method: clinical testing. Allele origin: germline. Affected: no.

Institute for Clinical Genetics, University Hospital TU Dresden, University Hospital TU Dresden
Classification: Uncertain significance. Last evaluated: 2021-11-03. Review status: criteria provided, single submitter. Criteria: ACMG Guidelines, 2015. Collection method: clinical testing. Allele origin: germline.

Sema4
Classification: Uncertain significance for Hereditary cancer-predisposing syndrome. Last evaluated: 2021-06-25. Review status: criteria provided, single submitter. Criteria: Sema4 Curation Guidelines. Collection method: curation. Allele origin: germline.
Comment: The NBN c.2215C>G (p.L739V) variant has been reported in 3/60466 breast cancer cases and 2/53461 healthy controls by a large case-control study (PMID: 33471991). The variant was also reported in two siblings who developed pilocytic astrocytoma and a Hodgkin lymphoma, respectively (PMID: 33840814). It was observed in 7/113132 chromosomes of the Non-Finnish European subpopulation in the large and broad cohorts of the Genome Aggregation Database (PMID: 32461654). The variant has been reported in ClinVar (Variation ID: 182730). In silico tools suggest the impact of the variant on protein function is inconclusive though these predictions have not been confirmed by functional studies. The evidence is insufficient to meet ACMG/AMP criteria for classifying the variant as benign or pathogenic. Thus, the clinical significance of this variant is currently uncertain.

Mendelics
Classification: Uncertain significance for Microcephaly, normal intelligence and immunodeficiency. Last evaluated: 2018-07-02. Review status: criteria provided, single submitter. Criteria: Mendelics Assertion Criteria 2017. Collection method: clinical testing. Allele origin: unknown.

Natera, Inc.
Classification: Uncertain significance for Nijmegen breakage syndrome. Last evaluated: 2020-02-21. Review status: no assertion criteria provided. Collection method: clinical testing. Allele origin: germline. Not counted in ClinVar's aggregate classification.

Literature cited by the submitters: PubMed 33840814 (cited by 5 submitters); PubMed 40857049 (cited by Women's Health and Genetics/Laboratory Corporation of America, LabCorp); PubMed 33471991 (cited by 3 submitters).